The following is an entry in ClinVar:

ClinVar aggregate classification (germline): Uncertain significance (0 of 4 stars; one submission).

Conditions:
ADCY3-related disorder. Also called: ADCY3-related condition.

gnomAD v4.1: 15 of 1,613,732 alleles (0.00093%); highest among the groups gnomAD compares: East Asian, 0.0022%; no homozygotes.

Submission:

PreventionGenetics, part of Exact Sciences
Classification: Uncertain significance for ADCY3-related condition. Last evaluated: 2024-09-12. Review status: no assertion criteria provided. Collection method: clinical testing. Allele origin: germline.
Comment: The ADCY3 c.1694G>A variant is predicted to result in the amino acid substitution p.Arg565Gln. To our knowledge, this variant has not been reported in the literature. This variant is reported in 0.012% of alleles in individuals of European (Finnish) descent in gnomAD. At this time, the clinical significance of this variant is uncertain due to the absence of conclusive functional and genetic evidence.

NM_004036.5(ADCY3):c.1694G>A (p.Arg565Gln)

Gene: ADCY3 (adenylate cyclase 3; minus strand). Cytogenetic location: 2p23.3.
Variant type: single nucleotide variant.
Coding change: c.1694G>A on transcript NM_004036.5 (MANE Select); coding-DNA position 1694, G replaced by A.
Protein change: p.Arg565Gln; replaces arginine 565 with glutamine.
Molecular consequence: missense variant.
Genome position (GRCh38, 1-based): chr2:24,834,905, C>T on the plus strand (G>A on the coding strand, the complement: ADCY3 is on the minus strand). VCF-style: chr2-24834905-C-T. GRCh37 (hg19) VCF-style: chr2-25057774-C-T.
Other names: c.1694G>A, p.Arg565Gln (NM_001320613.2, NM_001377129.1, NM_001377130.1 and 1 more transcripts); c.1760G>A, p.Arg587Gln (NM_001377128.1); c.971G>A, p.Arg324Gln (NM_001377131.1); short protein forms R324Q, R565Q, R587Q.
Identifiers: ClinVar variation 3352301 (VCV003352301.1).